The following is an entry in ClinVar:

NM_000059.4(BRCA2):c.6841G>C (p.Gly2281Arg)

Gene: BRCA2 (BRCA2 DNA repair associated; plus strand). Cytogenetic location: 13q13.1.
Variant type: single nucleotide variant.
Coding change: c.6841G>C on transcript NM_000059.4 (MANE Select); coding-DNA position 6841, G replaced by C.
Protein change: p.Gly2281Arg; replaces glycine 2281 with arginine.
Molecular consequence: missense variant. On other transcripts: non-coding transcript variant (1), intron variant (2).
Genome position (GRCh38, 1-based): chr13:32,341,196, G>C. VCF-style: chr13-32341196-G-C. GRCh37 (hg19) VCF-style: chr13-32915333-G-C.
Other names: c.6841G>C, p.Gly2281Arg (NM_001406719.1, NM_001406720.1); c.1910-3362G>C (NM_001406721.1); c.425-3362G>C (NM_001406722.1); short protein forms G2281R.
Identifiers: ClinVar variation 3228101 (VCV003228101.2), dbSNP rs1390926046, ClinGen allele CA387791517.
Genomic context (GRCh38, chr13:32,341,196, plus strand): 5'-GAAATGGTTTTGTCAAATTCAAGAATTGGAAAAAGAAGAGGAGAGCCCCTTATCTTAGTG[G>C]GTAAGTGTTCATTTTTACCTTTCGTGTTGCCAATCACTATTTTTAAAGTGTTTATTCAGT-3'
Protein context (NP_000050.3, residues 2271-2291): KRRGEPLILV[Gly2281Arg]EPSIKRNLLN

ClinVar aggregate classification (germline): Uncertain significance (1 of 4 stars; one submission).

Conditions:
Hereditary cancer-predisposing syndrome. Also called: Neoplastic Syndromes, Hereditary; Tumor predisposition; Hereditary Cancer Syndrome; Hereditary neoplastic syndrome. Identifiers: Orphanet 140162, MedGen C0027672, MeSH D009386, MONDO:0015356.

Allele frequency attached by ClinVar (database versions not stated): gnomAD exomes below 0.00001.
gnomAD v4.1: 1 of 1,613,744 alleles (0.000062%); highest among the groups gnomAD compares: Non-Finnish European, 0.000085%; no homozygotes.

Submission:

Ambry Genetics
Classification: Uncertain significance for Hereditary cancer-predisposing syndrome. Last evaluated: 2026-03-31. Review status: criteria provided, single submitter. Criteria: Ambry Variant Classification Scheme 2023. Collection method: clinical testing. Allele origin: germline.
Comment: The c.6841G>C variant (also known as p.G2281R), located in coding exon 10 of the BRCA2 gene, results from a G to C substitution at nucleotide position 6841. The amino acid change results in glycine to arginine at codon 2281, an amino acid with dissimilar properties. However, this change occurs in the last base pair of coding exon 10, which makes it likely to have some effect on normal mRNA splicing. This nucleotide position is highly conserved in available vertebrate species. In silico splice site analysis predicts that this alteration may result in the creation or strengthening of a novel splice donor site. RNA studies have demonstrated that this variant does not result in abnormal splicing in the set of samples tested (Ambry internal data). This amino acid position is highly conserved in available vertebrate species. As a missense, the in silico prediction for this alteration is inconclusive. Based on the available evidence, the clinical significance of this variant remains unclear.